The following is an entry in ClinVar:

NM_001375380.1(EBF3):c.471C>G (p.His157Gln)

Gene: EBF3 (EBF transcription factor 3; minus strand). Cytogenetic location: 10q26.3.
Variant type: single nucleotide variant.
Coding change: c.471C>G on transcript NM_001375380.1 (MANE Select); coding-DNA position 471, C replaced by G.
Protein change: p.His157Gln; replaces histidine 157 with glutamine.
Molecular consequence: missense variant.
Genome position (GRCh38, 1-based): chr10:129,958,948, G>C on the plus strand (C>G on the coding strand, the complement: EBF3 is on the minus strand). VCF-style: chr10-129958948-G-C. GRCh37 (hg19) VCF-style: chr10-131757212-G-C.
Other names: c.471C>G, p.His157Gln (NM_001005463.3, NM_001375379.1, NM_001375389.1 and 3 more transcripts); short protein forms H157Q.
Identifiers: ClinVar variation 4857002 (VCV004857002.1).

ClinVar aggregate classification (germline): Likely pathogenic (1 of 4 stars; one submission).

Conditions:
Hypotonia, ataxia, and delayed development syndrome (HADDS). Also called: EBF3 Neurodevelopmental Disorder. Identifiers: Orphanet 658843, MedGen C4310618, MONDO:0015021, OMIM 617330.

Submission:

Center for Human Genetics and Genomic Medicine, Uniklinik Rwth Aachen
Classification: Likely pathogenic for Hypotonia, ataxia, and delayed development syndrome. Last evaluated: 2026-03-27. Review status: criteria provided, single submitter. Criteria: ACMG Guidelines, 2015. Collection method: clinical testing. Allele origin: germline. Inheritance: Autosomal dominant inheritance. Affected: yes. Observed: 1 variant allele, 1 heterozygote.
Comment: In the general population (gnomAD v4.1.0) and the ClinVar database, this variant has not yet been identified (PM2_sup). Another nucleotide substitution at this position, which results in the same amino acid substitution (NM_001375380.1:c.471C>A (p.His157Gln)), has already been reported in ClinVar and in the literature as pathogenic in relation to an EBF3-associated developmental disorder; in the literature, the variant was detected de novo (Tanaka et al.) (PS1). Bioinformatics prediction programs (CADD (v1.6); accessed via Alamut Visual Plus v.1.13 on March 25, 2026) classify the variant as likely pathogenic (PP3). The variant is located within the DNA-binding domain, which is functionally relevant and represents a mutation cluster (Tanaka et al.) (PM1).

Literature cited by the submitters: PubMed 29162653; PubMed 35340043.